The following is an entry in ClinVar:

ClinVar aggregate classification (germline): Uncertain significance (1 of 4 stars; one submission).

gnomAD v4.1: 1 of 1,613,502 alleles (0.000062%); highest among the groups gnomAD compares: Admixed American, 0.0017%; no homozygotes.

Submission:

Labcorp Genetics (formerly Invitae), Labcorp
Classification: Uncertain significance. Last evaluated: 2025-10-14. Review status: criteria provided, single submitter. Criteria: Invitae Variant Classification Sherloc (09022015). Collection method: clinical testing. Allele origin: germline.
Comment: This sequence change replaces aspartic acid, which is acidic and polar, with glycine, which is neutral and non-polar, at codon 73 of the RP9 protein (p.Asp73Gly). This variant is not present in population databases (gnomAD no frequency). This variant has not been reported in the literature in individuals affected with RP9-related conditions. An algorithm developed to predict the effect of missense changes on protein structure and function (PolyPhen-2) suggests that this variant is likely to be disruptive. In summary, the available evidence is currently insufficient to determine the role of this variant in disease. Therefore, it has been classified as a Variant of Uncertain Significance.

NM_203288.2(RP9):c.218A>G (p.Asp73Gly)

Gene: RP9 (RP9 pre-mRNA splicing factor; minus strand). Cytogenetic location: 7p14.3.
Variant type: single nucleotide variant.
Coding change: c.218A>G on transcript NM_203288.2 (MANE Select); coding-DNA position 218, A replaced by G.
Protein change: p.Asp73Gly; replaces aspartic acid 73 with glycine.
Molecular consequence: missense variant.
Genome position (GRCh38, 1-based): chr7:33,099,402, T>C on the plus strand (A>G on the coding strand, the complement: RP9 is on the minus strand). VCF-style: chr7-33099402-T-C. GRCh37 (hg19) VCF-style: chr7-33139014-T-C.
Other names: short protein forms D73G.
Identifiers: ClinVar variation 4776169 (VCV004776169.1).
Genomic context (GRCh38, chr7:33,099,402, plus strand): 5'-CAAAGTCCTTTAGTTGGTGCATGAGCCAGAAATTCCCTGGCGTGTTCATTGCCTGGTACA[T>C]CTGGTATGCAATCTTCTGGCTTAGTCTCATCTTCCTAAAAAAGGGAACAGGTATAAACAG-3'
Protein context (NP_976033.1, residues 63-83): DETKPEDCIP[Asp73Gly]VPGNEHAREF